The following is an entry in ClinVar:

ClinVar aggregate classification (germline): Pathogenic (1 of 4 stars; one submission).

Conditions:
Distal myopathy with posterior leg and anterior hand involvement. Also called: WILLIAMS DISTAL MYOPATHY. Identifiers: Orphanet 63273, MedGen C3279722, MONDO:0013550, OMIM 614065.
Hypertrophic cardiomyopathy 26. Also called: Cardiomyopathy, familial hypertrophic, 26. Identifiers: Orphanet 75249, MedGen C4310749, MONDO:0014883, OMIM 617047.
Myofibrillar myopathy 5. Also called: Filaminopathy (type); FILAMINOPATHY, AUTOSOMAL DOMINANT. Identifiers: Orphanet 171445, MedGen C1836050, MONDO:0012289, OMIM 609524.

Submission:

Labcorp Genetics (formerly Invitae), Labcorp
Classification: Pathogenic for Distal myopathy with posterior leg and anterior hand involvement; Myofibrillar myopathy 5; Hypertrophic cardiomyopathy 26. Last evaluated: 2024-09-15. Review status: criteria provided, single submitter. Criteria: Invitae Variant Classification Sherloc (09022015). Collection method: clinical testing. Allele origin: germline.
Comment: This sequence change creates a premature translational stop signal (p.Gln564*) in the FLNC gene. It is expected to result in an absent or disrupted protein product. Loss-of-function variants in FLNC are known to be pathogenic (PMID: 27908349). This variant is not present in population databases (gnomAD no frequency). This variant has not been reported in the literature in individuals affected with FLNC-related conditions. Algorithms developed to predict the effect of sequence changes on RNA splicing suggest that this variant may disrupt the consensus splice site. For these reasons, this variant has been classified as Pathogenic.

Literature cited by the submitters: PubMed 27908349.

NM_001458.5(FLNC):c.1690C>T (p.Gln564Ter)

Gene: FLNC (filamin C; plus strand). Cytogenetic location: 7q32.1.
Variant type: single nucleotide variant.
Coding change: c.1690C>T on transcript NM_001458.5 (MANE Select); coding-DNA position 1690, C replaced by T.
Protein change: p.Gln564Ter; replaces glutamine 564 with a stop codon.
Molecular consequence: nonsense.
Genome position (GRCh38, 1-based): chr7:128,840,847, C>T. VCF-style: chr7-128840847-C-T. GRCh37 (hg19) VCF-style: chr7-128480901-C-T.
Other names: c.1690C>T, p.Gln564Ter (NM_001127487.2); short protein forms Q564*.
Identifiers: ClinVar variation 3758838 (VCV003758838.2).